The following is an entry in ClinVar:

ClinVar aggregate classification (germline): Conflicting classifications of pathogenicity. Review status: criteria provided, conflicting classifications (1 of 4 stars). 7 submissions from 7 submitters: Uncertain significance (5); Likely benign (1). 1 of the submissions does not count toward it. Last evaluated 2025-12-23.

Conditions:
Lynch syndrome. Identifiers: Orphanet 144, MedGen C4552100, MONDO:0005835. Disease mechanism: loss of function.
Lynch syndrome 5 (LYNCH5). Also called: Hereditary non-polyposis colorectal cancer, type 5; Colorectal cancer, hereditary nonpolyposis, type 5. Identifiers: Orphanet 144, MedGen C1833477, MONDO:0013710, OMIM 614350. Disease mechanism: loss of function.
Hereditary cancer-predisposing syndrome. Also called: Tumor predisposition; Hereditary Cancer Syndrome; Hereditary neoplastic syndrome; Neoplastic Syndromes, Hereditary. Identifiers: Orphanet 140162, MedGen C0027672, MeSH D009386, MONDO:0015356.
Hereditary nonpolyposis colorectal neoplasms. Identifiers: MedGen C0009405, MeSH D003123.

Allele frequency attached by ClinVar (database versions not stated): gnomAD exomes below 0.00001; TOPMed 0.00001.

Submissions (7):

Labcorp Genetics (formerly Invitae), Labcorp
Classification: Likely benign for Hereditary nonpolyposis colorectal neoplasms. Last evaluated: 2025-12-23. Review status: criteria provided, single submitter. Criteria: Invitae Variant Classification Sherloc (09022015). Collection method: clinical testing. Allele origin: germline.

Ambry Genetics
Classification: Uncertain significance for Hereditary cancer-predisposing syndrome. Last evaluated: 2024-06-28. Review status: criteria provided, single submitter. Criteria: Ambry Variant Classification Scheme 2023. Collection method: clinical testing. Allele origin: germline.
Comment: The p.A1268V variant (also known as c.3803C>T), located in coding exon 9 of the MSH6 gene, results from a C to T substitution at nucleotide position 3803. The alanine at codon 1268 is replaced by valine, an amino acid with similar properties. This amino acid position is highly conserved in available vertebrate species. In addition, this alteration is predicted to be deleterious by in silico analysis. Based on the available evidence, the clinical significance of this variant remains unclear.

Myriad Genetics, Inc.
Classification: Uncertain significance for Lynch syndrome 5. Last evaluated: 2023-03-27. Review status: criteria provided, single submitter. Criteria: Myriad Autosomal Dominant, Autosomal Recessive and X-Linked Classification Criteria (2023). Collection method: clinical testing. Allele origin: unknown.
Comment: This variant is classified as a variant of uncertain significance as there is insufficient evidence to determine its impact on protein function and/or cancer risk.

All of Us Research Program, National Institutes of Health
Classification: Uncertain significance for Lynch syndrome. Last evaluated: 2023-03-23. Review status: criteria provided, single submitter. Criteria: ACMG Guidelines, 2015. Collection method: clinical testing. Allele origin: germline. Inheritance: Autosomal dominant inheritance. Observed: 1 variant allele, 1 heterozygote.
Comment: This missense variant replaces alanine with valine at codon 1268 of the MSH6 protein. Computational prediction suggests that this variant may have deleterious impact on protein structure and function (internally defined REVEL score threshold >= 0.7, PMID: 27666373). To our knowledge, functional studies have not been reported for this variant. This variant has not been reported in individuals affected with hereditary cancer in the literature. This variant has been identified in 1/251016 chromosomes in the general population by the Genome Aggregation Database (gnomAD). The available evidence is insufficient to determine the role of this variant in disease conclusively. Therefore, this variant is classified as a Variant of Uncertain Significance.

This study involves interpretation of variants in research participants for the purpose of population health screening. Participant phenotype was not available at the time of variant classification. Additional details can be found in publication PMID: 35346344, PMCID: PMC8962531

Color Diagnostics, LLC DBA Color Health
Classification: Uncertain significance for Hereditary cancer-predisposing syndrome. Last evaluated: 2022-10-25. Review status: criteria provided, single submitter. Criteria: ACMG Guidelines, 2015. Collection method: clinical testing. Allele origin: germline.
Comment: This missense variant replaces alanine with valine at codon 1268 of the MSH6 protein. Computational prediction suggests that this variant may have deleterious impact on protein structure and function (internally defined REVEL score threshold >= 0.7, PMID: 27666373). To our knowledge, functional studies have not been reported for this variant. This variant has not been reported in individuals affected with hereditary cancer in the literature. This variant has been identified in 1/251016 chromosomes in the general population by the Genome Aggregation Database (gnomAD). The available evidence is insufficient to determine the role of this variant in disease conclusively. Therefore, this variant is classified as a Variant of Uncertain Significance.

GeneDx
Classification: Uncertain significance. Last evaluated: 2016-05-05. Review status: criteria provided, single submitter. Criteria: GeneDx Variant Classification (06012015). Collection method: clinical testing. Allele origin: germline. Affected: yes.
Comment: This variant is denoted MSH6 c.3803C>T at the cDNA level, p.Ala1268Val (A1268V) at the protein level, and results in the change of an Alanine to a Valine (GCA>GTA). This variant has not, to our knowledge, been published in the literature as pathogenic or benign. MSH6 Ala1268Val was not observed in approximately 6,500 individuals of European and African American ancestry in the NHLBI Exome Sequencing Project, suggesting it is not a common benign variant in these populations. Since Alanine and Valine share similar properties, this is considered a conservative amino acid substitution. MSH6 Ala1268Val occurs at a position that is conserved across species and is located within the MutS V domain (Terui 2013). Protein-based in silico analyses predict that this variant is probably damaging to protein structure and function, while splicing-based models predict that this variant may result in the creation of a cryptic donor site and lead to abnormal splicing. However, in the absence of RNA or functional studies, the actual effect of this variant is unknown. Based on currently available evidence, it is unclear whether MSH6 Ala1268Val is a pathogenic or benign variant. We consider it to be a variant of uncertain significance.

Counsyl
Classification: Uncertain significance for Lynch syndrome 5. Last evaluated: 2018-03-06. Review status: no assertion criteria provided. Collection method: clinical testing. Allele origin: unknown. Not counted in ClinVar's aggregate classification.

NM_000179.3(MSH6):c.3803C>T (p.Ala1268Val)

Gene: MSH6 (mutS homolog 6; plus strand). Cytogenetic location: 2p16.3.
Variant type: single nucleotide variant.
Coding change: c.3803C>T on transcript NM_000179.3 (MANE Select); coding-DNA position 3803, C replaced by T.
Protein change: p.Ala1268Val; replaces alanine 1268 with valine.
Molecular consequence: missense variant.
Genome position (GRCh38, 1-based): chr2:47,806,453, C>T. VCF-style: chr2-47806453-C-T. GRCh37 (hg19) VCF-style: chr2-48033592-C-T.
Other names: c.3413C>T, p.Ala1138Val (NM_001281492.2); c.2897C>T, p.Ala966Val (NM_001281493.2, NM_001281494.2); short protein forms A1268V, A1138V, A966V.
Identifiers: ClinVar variation 410447 (VCV000410447.21), dbSNP rs587779293, ClinGen allele CA16611177.